The following is an entry in ClinVar:

NM_001018115.3(FANCD2):c.1866_1867delinsAT (p.Gln623Ter)

Genes: FANCD2 (FA complementation group D2; plus strand), LOC107303338 (3p25 FANCD2 Alu-mediated recombination region; plus strand). Cytogenetic location: 3p25.3.
Variant type: Indel.
Coding change: c.1866_1867delinsAT on transcript NM_001018115.3 (MANE Select); coding-DNA positions 1866 to 1867, GC replaced by AT.
Protein change: p.Gln623Ter; replaces glutamine 623 with a stop codon.
Molecular consequence: nonsense.
Genome position (GRCh38, 1-based): chr3:10,063,830-10,063,831, GC replaced by AT. VCF-style: chr3-10063830-GC-AT. GRCh37 (hg19) VCF-style: chr3-10105514-GC-AT.
Other names: c.1866_1867delinsAT, p.Gln623Ter (NM_001319984.2, NM_001374254.1, NM_033084.6); c.1755_1756delinsAT, p.Gln586Ter (NM_001374253.1); short protein forms Q586*, Q623*.
Identifiers: ClinVar variation 1449465 (VCV001449465.7), dbSNP rs2125032674, ClinGen allele CA2573136012.
Genomic context (GRCh38, chr3:10,063,830, plus strand): 5'-CCATTCTTCCTCTTTGCTCCAGGTGACCTCCTTGTTGCAGTTGGTTCATTCCTGCAGTGA[GC>AT]AGTCTCCTCAGGCCTCTGCACTTTACTATGATGAATTTGCCAACCTGATCCAACATGAAA-3'

ClinVar aggregate classification (germline): Pathogenic/Likely pathogenic. Review status: criteria provided, multiple submitters, no conflicts (2 of 4 stars). 3 submissions from 3 submitters: Pathogenic (1); Likely pathogenic (2). Last evaluated 2025-09-28.

Conditions:
Fanconi anemia (FA). Also called: Fanconi's anemia. Identifiers: Orphanet 84, MedGen C0015625, MeSH D005199, MONDO:0019391.
Fanconi anemia complementation group D2. Also called: FANCD2-Related Fanconi Anemia; FANCONI PANCYTOPENIA, TYPE 4; FANCONI ANEMIA, COMPLEMENTATION GROUP D. Identifiers: Orphanet 84, MedGen C3160738, MONDO:0009214, OMIM 227646.

Submissions (3):

Labcorp Genetics (formerly Invitae), Labcorp
Classification: Pathogenic for Fanconi anemia. Last evaluated: 2025-09-28. Review status: criteria provided, single submitter. Criteria: Invitae Variant Classification Sherloc (09022015). Collection method: clinical testing. Allele origin: germline.
Comment: This sequence change creates a premature translational stop signal (p.Gln623*) in the FANCD2 gene. It is expected to result in an absent or disrupted protein product. Loss-of-function variants in FANCD2 are known to be pathogenic (PMID: 17436244). Information on the frequency of this variant in the gnomAD database is not available, as this variant may be reported differently in the database. This variant has not been reported in the literature in individuals affected with FANCD2-related conditions. ClinVar contains an entry for this variant (Variation ID: 1449465). For these reasons, this variant has been classified as Pathogenic.

Women's Health and Genetics/Laboratory Corporation of America, LabCorp
Classification: Likely pathogenic for Fanconi anemia. Last evaluated: 2023-03-23. Review status: criteria provided, single submitter. Criteria: LabCorp Variant Classification Summary - May 2015. Collection method: clinical testing. Allele origin: germline.
Comment: Variant summary: FANCD2 c.1866_1867delinsAT (p.Gln623X) results in a premature termination codon, predicted to cause a truncation of the encoded protein or absence of the protein due to nonsense mediated decay, which are commonly known mechanisms for disease. Truncations downstream of this position have been classified as pathogenic in ClinVar and reported in association with Fanconi Anemia in HGMD. The variant allele was found at a frequency of 4e-06 in 251446 control chromosomes. The available data on variant occurrences in the general population are insufficient to allow any conclusion about variant significance. To our knowledge, no occurrence of c.1866_1867delinsAT in individuals affected with Fanconi Anemia and no experimental evidence demonstrating its impact on protein function have been reported. Two clinical diagnostic laboratories have submitted clinical-significance assessments for this variant to ClinVar after 2014, and both laboratories classified the variant as pathogenic/likely pathogenic. Based on the evidence outlined above, the variant was classified as likely pathogenic.

Fulgent Genetics
Classification: Likely pathogenic for Fanconi anemia complementation group D2. Last evaluated: 2021-09-27. Review status: criteria provided, single submitter. Criteria: ACMG Guidelines, 2015. Collection method: clinical testing. Allele origin: unknown.

Literature cited by the submitters: PubMed 17436244 (cited by Labcorp Genetics (formerly Invitae), Labcorp).